The following is an entry in ClinVar:

ClinVar aggregate classification (germline): Likely pathogenic (1 of 4 stars; one submission).

Conditions:
Intellectual developmental disorder, autosomal dominant 73 (MRD73). Also called: TAF4-RELATED NDD; TAF4-RELATED NEURODEVELOPMENTAL DISORDER. Identifiers: MedGen C5830636, MONDO:0957536, OMIM 620450.

Submission:

Variantyx, Inc.
Classification: Likely pathogenic for Intellectual developmental disorder, autosomal dominant 73. Last evaluated: 2025-12-19. Review status: criteria provided, single submitter. Criteria: Variantyx Assertion Criteria 2022. Collection method: clinical testing. Allele origin: germline. Inheritance: Autosomal dominant inheritance. Affected: yes.
Comment: This is a nonsense variant in the TAF4 gene (OMIM: 601796). Pathogenic variants in this gene have been associated with autosomal dominant intellectual developmental disorder 73. This variant introduces a premature termination codon in exon 1 out of 15 and is expected to result in loss of function, which is a known disease mechanism for TAF4 in this disorder (PMID: 35904126) (PVS1). This variant is absent from control populations (PM2). Based on the current evidence, this variant is classified as likely pathogenic for autosomal dominant intellectual developmental disorder 73.

Literature cited by the submitters: PubMed 35904126.

NM_003185.4(TAF4):c.715C>T (p.Gln239Ter)

Gene: TAF4 (TATA-box binding protein associated factor 4; minus strand). Cytogenetic location: 20q13.33.
Variant type: single nucleotide variant.
Coding change: c.715C>T on transcript NM_003185.4 (MANE Select); coding-DNA position 715, C replaced by T.
Protein change: p.Gln239Ter; replaces glutamine 239 with a stop codon.
Molecular consequence: nonsense.
Genome position (GRCh38, 1-based): chr20:62,065,096, G>A on the plus strand (C>T on the coding strand, the complement: TAF4 is on the minus strand). VCF-style: chr20-62065096-G-A. GRCh37 (hg19) VCF-style: chr20-60640152-G-A.
Other names: short protein forms Q239*.
Identifiers: ClinVar variation 4852215 (VCV004852215.1).
Genomic context (GRCh38, chr20:62,065,096, plus strand): 5'-CGGGGGGCGAGGGCGCGGCGGGCGCGGGGGGCGCGGCGGCGCCCACGAAGGGGGGCGTCT[G>A]GATGACAGTGCCGGGGGCGGCGGGCTTGGGCAGCGGCAGCAGCGCGGCGGGCCCGTTGTT-3'